The following is an entry in ClinVar:

ClinVar aggregate classification (germline): Likely pathogenic (1 of 4 stars; one submission).

Submission:

Dasa
Classification: Likely pathogenic. Last evaluated: 2025-09-19. Review status: criteria provided, single submitter. Criteria: DASA Assertion Criteria. Collection method: clinical testing. Allele origin: germline.
Comment: NM_022167.4(XYLT2):c.848del (p.Gly283Alafs*7) is a frameshift variant in XYLT2 predicted to alter the reading frame and introduce a premature termination codon and is predicted to result in an absent or altered protein product. Loss of function is an established disease mechanism for XYLT2-associated disorders. Also, this variant is absent from population databases. Based on the currently available evidence, this variant is classified as likely pathogenic.

NM_022167.4(XYLT2):c.848del (p.Gly283fs)

Gene: XYLT2 (xylosyltransferase 2; plus strand). Cytogenetic location: 17q21.33.
Variant type: Deletion.
Coding change: c.848del on transcript NM_022167.4 (MANE Select); coding-DNA position 848, one base deleted (G; older notation c.848delG).
Protein change: p.Gly283fs; shifts the reading frame from glycine 283.
Molecular consequence: frameshift variant.
Genome position (GRCh38, 1-based): chr17:50,354,897, G deleted; the last of 3 consecutive G bases (chr17:50,354,895-50,354,897); deleting any one gives the same sequence. VCF-style (leftmost placement, unchanged base first): chr17-50354894-AG-A. GRCh37 (hg19) VCF-style: chr17-48432255-AG-A.
Other names: short protein forms G283fs.
Identifiers: ClinVar variation 4880638 (VCV004880638.2).